The following is an entry in ClinVar:

NM_001378204.1(CCDC18):c.4272T>C (p.Leu1424=)

Gene: CCDC18 (coiled-coil domain containing 18; plus strand). Cytogenetic location: 1p22.1.
Variant type: single nucleotide variant.
Coding change: c.4272T>C on transcript NM_001378204.1 (MANE Select); coding-DNA position 4272, T replaced by C.
Protein change: p.Leu1424=; no amino-acid change (leucine 1424 retained).
Molecular consequence: synonymous variant. On other transcripts: intron variant (1).
Genome position (GRCh38, 1-based): chr1:93,270,733, T>C. VCF-style: chr1-93270733-T-C. GRCh37 (hg19) VCF-style: chr1-93736290-T-C.
Other names: c.4269T>C, p.Leu1423= (NM_001306076.1); c.3885+5832T>C (NM_206886.4).
Identifiers: ClinVar variation 3043389 (VCV003043389.2), dbSNP rs375334492, ClinGen allele CA26797460.

ClinVar aggregate classification (germline): Likely benign (0 of 4 stars; one submission).

Conditions:
CCDC18-related disorder. Also called: CCDC18-related condition.

Allele frequency attached by ClinVar (database versions not stated): gnomAD exomes 0.00001; gnomAD 0.00017; TOPMed 0.00019.
gnomAD v4.1: 89 of 1,550,102 alleles (0.0057%); highest among the groups gnomAD compares: African/African-American, 0.034%; 1 homozygote.

Submission:

PreventionGenetics, part of Exact Sciences
Classification: Likely benign for CCDC18-related condition. Last evaluated: 2019-06-24. Review status: no assertion criteria provided. Collection method: clinical testing. Allele origin: germline.
Comment: This variant is classified as likely benign based on ACMG/AMP sequence variant interpretation guidelines (Richards et al. 2015 PMID: 25741868, with internal and published modifications).